The following is an entry in ClinVar:

NM_001165963.4(SCN1A):c.695-2_697delinsCCACAA

Gene: SCN1A (sodium voltage-gated channel alpha subunit 1; minus strand). Cytogenetic location: 2q24.3.
Variant type: Indel.
Coding change: c.695-2_697delinsCCACAA on transcript NM_001165963.4 (MANE Select); the canonical splice acceptor site of the intron before coding-DNA position 695 through coding-DNA position 697, AGGCC replaced by CCACAA.
Molecular consequence: splice acceptor variant.
Genome position (GRCh38, 1-based): chr2:166,051,986-166,051,990, GGCCT replaced by TTGTGG on the plus strand (AGGCC replaced by CCACAA on the coding strand, the reverse complement: SCN1A is on the minus strand). VCF-style: chr2-166051986-GGCCT-TTGTGG. GRCh37 (hg19) VCF-style: chr2-166908496-GGCCT-TTGTGG.
Other names: c.695-2_697delinsCCACAA (NM_001353949.2, NM_001353958.2, NM_001353950.2 and 10 more transcripts); c.-1731-2_-1729delinsCCACAA (NM_001353961.2).
Identifiers: ClinVar variation 432885 (VCV000432885.1), dbSNP rs1553549997, ClinGen allele CA645372654.

ClinVar aggregate classification (germline): Pathogenic (1 of 4 stars; one submission).

Submission:

GeneDx
Classification: Pathogenic. Last evaluated: 2017-06-09. Review status: criteria provided, single submitter. Criteria: GeneDx Variant Classification (06012015). Collection method: clinical testing. Allele origin: germline. Affected: yes.
Comment: The c.695-2_697delAGGCCinsCCACAA variant in the SCN1A gene has not been reported previously as a pathogenic variant nor as a benign variant, to our knowledge. The c.695-2_697delAGGCCinsCCACAA variant causes a deletion of 5 amino acid residues and an insertion of 6 incorrect amino acid residues. This variant is predicted to destroy natural splice acceptor site of intron 5. It is predicted to cause abnormal gene splicing, either leading to an abnormal message that is subject to nonsense-mediated mRNA decay, or to an abnormal protein product if the message is used for protein translation. The c.695-2_697delAGGCCinsCCACAA variant is not observed in large population cohorts (Lek et al., 2016; 1000 Genomes Consortium et al., 2015; Exome Variant Server). We interpret c.695-2_697delAGGCCinsCCACAA as a pathogenic variant.